The following is an entry in ClinVar:

ClinVar aggregate classification (germline): Likely benign. Review status: criteria provided, multiple submitters, no conflicts (2 of 4 stars). 13 submissions from 12 submitters: Likely benign (9). 4 of the submissions do not count toward it. Last evaluated 2026-01-26.

Conditions:
ELN-related disorder.
Supravalvar aortic stenosis (SVAS). Also called: Supravalvar aortic stenosis, Eisenberg type. Identifiers: Orphanet 3193, MedGen C0003499, MONDO:0008504, OMIM 185500, HP:0004381.
Cutis laxa, autosomal dominant 1 (ADCL1). Also called: ELN-Related Cutis Laxa. Identifiers: Orphanet 90348, MedGen C3276539, MONDO:0007411, OMIM 123700. Disease mechanism: Dominant Negative.

Allele frequency attached by ClinVar (database versions not stated): 1000 Genomes Project 30x 0.00031; TOPMed 0.00035.
gnomAD v4.1: 414 of 1,613,344 alleles (0.026%); highest among the groups gnomAD compares: Non-Finnish European, 0.032%; no homozygotes.

Submissions (13):

Labcorp Genetics (formerly Invitae), Labcorp
Classification: Likely benign for Supravalvar aortic stenosis. Last evaluated: 2026-01-26. Review status: criteria provided, single submitter. Criteria: Invitae Variant Classification Sherloc (09022015). Collection method: clinical testing. Allele origin: germline.

Molecular Diagnostic Laboratory for Inherited Cardiovascular Disease, Montreal Heart Institute
Classification: Likely benign. Last evaluated: 2025-07-24. Review status: criteria provided, single submitter. Criteria: ACMG Guidelines, 2015. Collection method: clinical testing. Allele origin: germline. Affected: no.
Comment: BS1

Laboratory of Genetics, Children's Clinical University Hospital Latvia
Classification: Likely benign. Last evaluated: 2025-02-16. Review status: criteria provided, single submitter. Criteria: ACMG Guidelines, 2015. Collection method: clinical testing. Allele origin: germline. Affected: yes.

Blueprint Genetics
Classification: Likely benign. Last evaluated: 2024-11-27. Review status: criteria provided, single submitter. Criteria: ACMG Guidelines, 2015. Collection method: clinical testing. Allele origin: germline.

CeGaT Center for Human Genetics Tuebingen
Classification: Likely benign. Last evaluated: 2024-06-01. Review status: criteria provided, single submitter. Criteria: CeGaT Center For Human Genetics Tuebingen Variant Classification Criteria Version 2. Collection method: clinical testing. Allele origin: germline. Affected: yes. Observed: 3 variant alleles.
Comment: ELN: BP7, BS2

GeneDx
Classification: Likely benign. Last evaluated: 2020-06-30. Review status: criteria provided, single submitter. Criteria: GeneDx Variant Classification Process June 2021. Collection method: clinical testing. Allele origin: germline. Affected: yes.

Illumina Laboratory Services, Illumina
Classification: Likely benign for Supravalvar aortic stenosis. Last evaluated: 2017-04-27. Review status: criteria provided, single submitter. Criteria: ICSL Variant Classification Criteria 13 December 2019. Collection method: clinical testing. Allele origin: germline.
Comment: This variant was observed as part of a predisposition screen in an ostensibly healthy population. A literature search was performed for the gene, cDNA change, and amino acid change (where applicable). No publications were found based on this search. Allele frequency data from public databases allowed determination this variant is unlikely to cause disease. Therefore, this variant is classified as likely benign.

Illumina Laboratory Services, Illumina
Classification: Likely benign for Cutis laxa, autosomal dominant 1. Last evaluated: 2017-04-27. Review status: criteria provided, single submitter. Criteria: ICSL Variant Classification Criteria 13 December 2019. Collection method: clinical testing. Allele origin: germline.
Comment: the same text as in the submission from Illumina Laboratory Services, Illumina above.

Laboratory for Molecular Medicine, Mass General Brigham Personalized Medicine
Classification: Likely benign. Last evaluated: 2011-07-01. Review status: criteria provided, single submitter. Criteria: LMM Criteria. Collection method: clinical testing. Allele origin: germline. Observed: 1 variant allele.
Comment: Val423Val in exon 20 of ELN: This variant is not expected to have clinical signi ficance because it does not alter an amino acid residue and is not located near a splice junction.

PreventionGenetics, part of Exact Sciences
Classification: Likely benign for ELN-related condition. Last evaluated: 2019-12-17. Review status: no assertion criteria provided. Collection method: clinical testing. Allele origin: germline. Not counted in ClinVar's aggregate classification.
Comment: This variant is classified as likely benign based on ACMG/AMP sequence variant interpretation guidelines (Richards et al. 2015 PMID: 25741868, with internal and published modifications).

Clinical Genetics DNA and cytogenetics Diagnostics Lab, Erasmus MC, Erasmus Medical Center
Classification: Likely benign. Review status: no assertion criteria provided. Collection method: clinical testing. Allele origin: germline. Affected: yes. Study: VKGL Data-share Consensus. Not counted in ClinVar's aggregate classification.

Genome Diagnostics Laboratory, Amsterdam University Medical Center
Classification: Likely benign. Review status: no assertion criteria provided. Collection method: clinical testing. Allele origin: germline. Affected: yes. Study: VKGL Data-share Consensus. Not counted in ClinVar's aggregate classification.

Genome Diagnostics Laboratory, University Medical Center Utrecht
Classification: Likely benign. Review status: no assertion criteria provided. Collection method: clinical testing. Allele origin: germline. Affected: yes. Study: VKGL Data-share Consensus. Not counted in ClinVar's aggregate classification.

NM_000501.4(ELN):c.1269C>G (p.Val423=)

Gene: ELN (elastin; plus strand). Cytogenetic location: 7q11.23.
Variant type: single nucleotide variant.
Coding change: c.1269C>G on transcript NM_000501.4 (MANE Select); coding-DNA position 1269, C replaced by G.
Protein change: p.Val423=; no amino-acid change (valine 423 retained).
Molecular consequence: synonymous variant. On other transcripts: intron variant (2).
Genome position (GRCh38, 1-based): chr7:74,056,389, C>G. VCF-style: chr7-74056389-C-G. GRCh37 (hg19) VCF-style: chr7-73470719-C-G.
Other names: c.1239C>G, p.Val413= (NM_001081752.3, NM_001278917.2); c.1284C>G, p.Val428= (NM_001081753.3, NM_001081754.3); c.1269C>G, p.Val423= (NM_001081755.3, NM_001278912.2, NM_001278915.2 and 1 more transcripts); c.1254C>G, p.Val418= (NM_001278914.2); c.1227C>G, p.Val409= (NM_001278916.2); c.1129+32C>G (NM_001278913.2); c.1105+32C>G (NM_001278918.2).
Identifiers: ClinVar variation 43583 (VCV000043583.58), dbSNP rs61734583, ClinGen allele CA132759.